The following is an entry in ClinVar:

ClinVar aggregate classification (germline): Uncertain significance (1 of 4 stars; one submission).

Conditions:
Galactosylceramide beta-galactosidase deficiency. Also called: Krabbe Disease; Leukodystrophy, Globoid Cell; GALACTOCEREBROSIDASE DEFICIENCY; GALC DEFICIENCY; GLOBOID CELL LEUKOENCEPHALOPATHY. Identifiers: Orphanet 487, MedGen C0023521, MONDO:0009499, OMIM 245200.

Submission:

Labcorp Genetics (formerly Invitae), Labcorp
Classification: Uncertain significance for Galactosylceramide beta-galactosidase deficiency. Last evaluated: 2025-02-24. Review status: criteria provided, single submitter. Criteria: Invitae Variant Classification Sherloc (09022015). Collection method: clinical testing. Allele origin: germline.
Comment: This sequence change replaces aspartic acid, which is acidic and polar, with asparagine, which is neutral and polar, at codon 84 of the GALC protein (p.Asp84Asn). This variant is not present in population databases (gnomAD no frequency). This variant has not been reported in the literature in individuals affected with GALC-related conditions. ClinVar contains an entry for this variant (Variation ID: 1484516). Invitae Evidence Modeling of protein sequence and biophysical properties (such as structural, functional, and spatial information, amino acid conservation, physicochemical variation, residue mobility, and thermodynamic stability) indicates that this missense variant is expected to disrupt GALC protein function with a positive predictive value of 95%. In summary, the available evidence is currently insufficient to determine the role of this variant in disease. Therefore, it has been classified as a Variant of Uncertain Significance.

NM_000153.4(GALC):c.250G>A (p.Asp84Asn)

Gene: GALC (galactosylceramidase; minus strand). Cytogenetic location: 14q31.3.
Variant type: single nucleotide variant.
Coding change: c.250G>A on transcript NM_000153.4 (MANE Select); coding-DNA position 250, G replaced by A.
Protein change: p.Asp84Asn; replaces aspartic acid 84 with asparagine.
Molecular consequence: missense variant. On other transcripts: intron variant (1).
Genome position (GRCh38, 1-based): chr14:87,988,469, C>T on the plus strand (G>A on the coding strand, the complement: GALC is on the minus strand). VCF-style: chr14-87988469-C-T. GRCh37 (hg19) VCF-style: chr14-88454813-C-T.
Other names: c.172G>A, p.Asp58Asn (NM_001201402.2); c.196-262G>A (NM_001201401.2); short protein forms D58N, D84N.
Identifiers: ClinVar variation 1484516 (VCV001484516.8), dbSNP rs2139759348, ClinGen allele CA390753349.
Genomic context (GRCh38, chr14:87,988,469, plus strand): 5'-TTTCTAAAATATCACAGGTACCATGAAATAATTATGTTTTCATTACCTTAAAGAGATAAT[C>T]CAATATCTGAGAACGATAGGGCTCTGGGTAATTTACTAGAAGTCGGGAGGTTGCCTAAAA-3'
Protein context (NP_000144.2, residues 74-94): YPEPYRSQIL[Asp84Asn]YLFKPNFGAS